The following is an entry in ClinVar:

NM_139076.3(ABRAXAS1):c.52C>G (p.Leu18Val)

Genes: ABRAXAS1 (abraxas 1, BRCA1 A complex subunit; minus strand), LOC129992784 (ATAC-STARR-seq lymphoblastoid silent region 15542; plus strand). Cytogenetic location: 4q21.23.
Variant type: single nucleotide variant.
Coding change: c.52C>G on transcript NM_139076.3 (MANE Select); coding-DNA position 52, C replaced by G.
Protein change: p.Leu18Val; replaces leucine 18 with valine.
Molecular consequence: missense variant. On other transcripts: 5 prime UTR variant (1).
Genome position (GRCh38, 1-based): chr4:83,485,021, G>C on the plus strand (C>G on the coding strand, the complement: ABRAXAS1 is on the minus strand). VCF-style: chr4-83485021-G-C. GRCh37 (hg19) VCF-style: chr4-84406174-G-C.
Other names: c.-209C>G (NM_001345962.2); short protein forms L18V.
Identifiers: ClinVar variation 649752 (VCV000649752.11), dbSNP rs774575032, ClinGen allele CA2990678.

ClinVar aggregate classification (germline): Uncertain significance. Review status: criteria provided, multiple submitters, no conflicts (2 of 4 stars). 2 submissions from 2 submitters: Uncertain significance (2). Last evaluated 2025-03-05.

Allele frequency attached by ClinVar (database versions not stated): ExAC 0.00001; gnomAD 0.00001; TOPMed 0.00001; gnomAD exomes 0.00002.
gnomAD v4.1: 8 of 1,595,516 alleles (0.0005%); highest among the groups gnomAD compares: Non-Finnish European, 0.000085%; no homozygotes.

Submissions (2):

Labcorp Genetics (formerly Invitae), Labcorp
Classification: Uncertain significance. Last evaluated: 2025-03-05. Review status: criteria provided, single submitter. Criteria: Invitae Variant Classification Sherloc (09022015). Collection method: clinical testing. Allele origin: germline.
Comment: This sequence change replaces leucine, which is neutral and non-polar, with valine, which is neutral and non-polar, at codon 18 of the ABRAXAS1 protein (p.Leu18Val). This variant is present in population databases (rs774575032, gnomAD 0.04%). This variant has not been reported in the literature in individuals affected with ABRAXAS1-related conditions. ClinVar contains an entry for this variant (Variation ID: 649752). Invitae Evidence Modeling of protein sequence and biophysical properties (such as structural, functional, and spatial information, amino acid conservation, physicochemical variation, residue mobility, and thermodynamic stability) has been performed for this missense variant. However, the output from this modeling did not meet the statistical confidence thresholds required to predict the impact of this variant on ABRAXAS1 protein function. In summary, the available evidence is currently insufficient to determine the role of this variant in disease. Therefore, it has been classified as a Variant of Uncertain Significance.

Ambry Genetics
Classification: Uncertain significance. Last evaluated: 2023-12-23. Review status: criteria provided, single submitter. Criteria: Ambry Variant Classification Scheme 2023. Collection method: clinical testing. Allele origin: germline.
Comment: The p.L18V variant (also known as c.52C>G), located in coding exon 1 of the FAM175A gene, results from a C to G substitution at nucleotide position 52. The leucine at codon 18 is replaced by valine, an amino acid with highly similar properties. This amino acid position is conserved. In addition, the in silico prediction for this alteration is inconclusive. Since supporting evidence is limited at this time, the clinical significance of this alteration remains unclear.